The following is an entry in ClinVar:

ClinVar aggregate classification (germline): Uncertain significance (1 of 4 stars; one submission).

Conditions:
Nephronophthisis 9 (NPHP9). Identifiers: Orphanet 655, MedGen C3151188, MONDO:0013444, OMIM 613824.

Submission:

Labcorp Genetics (formerly Invitae), Labcorp
Classification: Uncertain significance for Nephronophthisis 9. Last evaluated: 2024-06-20. Review status: criteria provided, single submitter. Criteria: Invitae Variant Classification Sherloc (09022015). Collection method: clinical testing. Allele origin: germline.
Comment: This sequence change replaces valine, which is neutral and non-polar, with isoleucine, which is neutral and non-polar, at codon 501 of the NEK8 protein (p.Val501Ile). This variant is not present in population databases (gnomAD no frequency). This variant has not been reported in the literature in individuals affected with NEK8-related conditions. Algorithms developed to predict the effect of missense changes on protein structure and function output the following: SIFT: "Not Available"; PolyPhen-2: "Benign"; Align-GVGD: "Not Available". The isoleucine amino acid residue is found in multiple mammalian species, which suggests that this missense change does not adversely affect protein function. In summary, the available evidence is currently insufficient to determine the role of this variant in disease. Therefore, it has been classified as a Variant of Uncertain Significance.

NM_178170.3(NEK8):c.1501G>A (p.Val501Ile)

Gene: NEK8 (NIMA related kinase 8; plus strand). Cytogenetic location: 17q11.2.
Variant type: single nucleotide variant.
Coding change: c.1501G>A on transcript NM_178170.3 (MANE Select); coding-DNA position 1501, G replaced by A.
Protein change: p.Val501Ile; replaces valine 501 with isoleucine.
Molecular consequence: missense variant.
Genome position (GRCh38, 1-based): chr17:28,740,546, G>A. VCF-style: chr17-28740546-G-A. GRCh37 (hg19) VCF-style: chr17-27067564-G-A.
Other names: short protein forms V501I.
Identifiers: ClinVar variation 3666716 (VCV003666716.2).